The following is an entry in ClinVar:

NM_000384.3(APOB):c.7801G>A (p.Glu2601Lys)

Gene: APOB (apolipoprotein B; minus strand). Cytogenetic location: 2p24.1.
Variant type: single nucleotide variant.
Coding change: c.7801G>A on transcript NM_000384.3 (MANE Select); coding-DNA position 7801, G replaced by A.
Protein change: p.Glu2601Lys; replaces glutamic acid 2601 with lysine.
Molecular consequence: missense variant.
Genome position (GRCh38, 1-based): chr2:21,009,067, C>T on the plus strand (G>A on the coding strand, the complement: APOB is on the minus strand). VCF-style: chr2-21009067-C-T. GRCh37 (hg19) VCF-style: chr2-21231939-C-T.
Other names: short protein forms E2601K.
Identifiers: ClinVar variation 5027912 (VCV005027912.1).

ClinVar aggregate classification (germline): Uncertain significance (1 of 4 stars; one submission).

Conditions:
Cardiovascular phenotype. Identifiers: MedGen CN230736.

gnomAD v4.1: 12 of 1,614,066 alleles (0.00074%); highest among the groups gnomAD compares: Non-Finnish European, 0.001%; no homozygotes.

Submission:

Ambry Genetics
Classification: Uncertain significance for Cardiovascular phenotype. Last evaluated: 2026-08-24. Review status: criteria provided, single submitter. Criteria: Ambry Variant Classification Scheme 2023. Collection method: clinical testing. Allele origin: germline.
Comment: The p.E2601K variant (also known as c.7801G>A), located in coding exon 26 of the APOB gene, results from a G to A substitution at nucleotide position 7801. The glutamic acid at codon 2601 is replaced by lysine, an amino acid with similar properties. This amino acid position is conserved. In addition, this alteration is predicted to be tolerated by in silico analysis. Based on the available evidence, the clinical significance of this variant remains unclear.